The following is an entry in ClinVar:

NM_025000.4(DCAF17):c.*2473G>A

Gene: DCAF17 (DDB1 and CUL4 associated factor 17; plus strand). Cytogenetic location: 2q31.1.
Variant type: single nucleotide variant.
Coding change: c.*2473G>A on transcript NM_025000.4 (MANE Select); 2473 bases downstream of the stop codon, G replaced by A.
Molecular consequence: 3 prime UTR variant. On other transcripts: non-coding transcript variant (1).
Genome position (GRCh38, 1-based): chr2:171,483,587, G>A. VCF-style: chr2-171483587-G-A. GRCh37 (hg19) VCF-style: chr2-172340097-G-A.
Other names: c.*2473G>A (NM_001164821.2).
Identifiers: ClinVar variation 332302 (VCV000332302.5), dbSNP rs57999878, ClinGen allele CA1965121.
Genomic context (GRCh38, chr2:171,483,587, plus strand): 5'-AAACAAAACAAATCCTATCCTATTTACTATTTGTGCTACCTAGTGAGGAGATACCGCTCT[G>A]TTTAGACAAATTAAGGCACTTCACATTCTTCCACCAATTGAAAGTTTTGTATCTTACAGT-3'

ClinVar aggregate classification (germline): Benign (1 of 4 stars; one submission).

Conditions:
Woodhouse-Sakati syndrome. Also called: Hypogonadism, Alopecia, Diabetes Mellitus, Mental Retardation, and Extrapyramidal Syndrome; Hypogonadism, diabetes mellitus, alopecia, mental retardation and electrocardiographic abnormalities; EXTRAPYRAMIDAL DISORDER, PROGRESSIVE, WITH PRIMARY HYPOGONADISM, MENTAL RETARDATION, AND ALOPECIA. Identifiers: Orphanet 3464, MedGen C0342286, MONDO:0009419, OMIM 241080.

Allele frequency attached by ClinVar (database versions not stated): gnomAD exomes 0.00561 and 0.00915; 1000 Genomes Project 0.03874; gnomAD 0.04194 and 0.03907; 1000 Genomes Project 30x 0.04372; TOPMed 0.04398; ExAC 0.00307.
gnomAD v4.1: 7,654 of 454,048 alleles (1.7%); highest among the groups gnomAD compares: African/African-American, 13%; 468 homozygotes.

Submission:

Illumina Laboratory Services, Illumina
Classification: Benign for Woodhouse-Sakati syndrome. Last evaluated: 2018-01-13. Review status: criteria provided, single submitter. Criteria: ICSL Variant Classification Criteria 13 December 2019. Collection method: clinical testing. Allele origin: germline.
Comment: This variant was observed in the ICSL laboratory as part of a predisposition screen in an ostensibly healthy population. It had not been previously curated by ICSL or reported in the Human Gene Mutation Database (HGMD: prior to June 1st, 2018), and was therefore a candidate for classification through an automated scoring system. Utilizing variant allele frequency, disease prevalence and penetrance estimates, and inheritance mode, an automated score was calculated to assess if this variant is too frequent to cause the disease. Based on the score and internal cut-off values, a variant classified as benign is not then subjected to further curation. The score for this variant resulted in a classification of benign for this disease.